The following is an entry in ClinVar:

ClinVar aggregate classification (germline): Uncertain significance (1 of 4 stars; one submission).

Conditions:
SH2B1-related disorder. Also called: SH2B1-related condition.

Allele frequency attached by ClinVar (database versions not stated): gnomAD exomes 0.00001; ExAC 0.00004; gnomAD 0.00013; 1000 Genomes Project 0.00020; TOPMed 0.00020; 1000 Genomes Project 30x 0.00031.
gnomAD v4.1: 40 of 1,611,882 alleles (0.0025%); highest among the groups gnomAD compares: African/African-American, 0.049%; no homozygotes.

Submission:

PreventionGenetics, part of Exact Sciences
Classification: Uncertain significance for SH2B1-related condition. Last evaluated: 2026-09-21. Review status: criteria provided, single submitter. Criteria: ACMG Guidelines, 2015. Collection method: clinical testing. Allele origin: germline.
Comment: The SH2B1 c.233C>T variant is predicted to result in the amino acid substitution p.Ala78Val. To our knowledge, this variant has not been reported in the literature. This variant is reported in 0.037% of alleles in individuals of African descent in gnomAD, which may be too frequent to be a primary cause of disease. Although we suspect that this variant may be benign, at this time, the clinical significance of this variant is uncertain due to the absence of conclusive functional and genetic evidence.

NM_001387430.1(SH2B1):c.233C>T (p.Ala78Val)

Gene: SH2B1 (SH2B adaptor protein 1; plus strand). Cytogenetic location: 16p11.2.
Variant type: single nucleotide variant.
Coding change: c.233C>T on transcript NM_001387430.1 (MANE Select); coding-DNA position 233, C replaced by T.
Protein change: p.Ala78Val; replaces alanine 78 with valine.
Molecular consequence: missense variant. On other transcripts: intron variant (1).
Genome position (GRCh38, 1-based): chr16:28,866,327, C>T. VCF-style: chr16-28866327-C-T. GRCh37 (hg19) VCF-style: chr16-28877648-C-T.
Other names: c.233C>T, p.Ala78Val (NM_015503.3, NM_001145795.2, NM_001145796.2 and 4 more transcripts); c.-26-1047C>T (NM_001308294.2); short protein forms A78V.
Identifiers: ClinVar variation 3032846 (VCV003032846.3), dbSNP rs539108157, ClinGen allele CA7985878.